The following is an entry in ClinVar:

NM_024675.4(PALB2):c.1736C>T (p.Ala579Val)

Gene: PALB2 (partner and localizer of BRCA2; minus strand). Cytogenetic location: 16p12.2.
Variant type: single nucleotide variant.
Coding change: c.1736C>T on transcript NM_024675.4 (MANE Select); coding-DNA position 1736, C replaced by T.
Protein change: p.Ala579Val; replaces alanine 579 with valine.
Molecular consequence: missense variant.
Genome position (GRCh38, 1-based): chr16:23,630,418, G>A on the plus strand (C>T on the coding strand, the complement: PALB2 is on the minus strand). VCF-style: chr16-23630418-G-A. GRCh37 (hg19) VCF-style: chr16-23641739-G-A.
Other names: short protein forms A579V.
Identifiers: ClinVar variation 576094 (VCV000576094.15), dbSNP rs1567218908, ClinGen allele CA395128312.

ClinVar aggregate classification (germline): Uncertain significance. Review status: criteria provided, multiple submitters, no conflicts (2 of 4 stars). 4 submissions from 4 submitters: Uncertain significance (4). Last evaluated 2025-11-23.

Conditions:
Familial pancreatic carcinoma. Identifiers: Orphanet 1333, MedGen C2931038, MONDO:0015278, OMIM 260350.
Hereditary cancer-predisposing syndrome. Also called: Tumor predisposition; Hereditary neoplastic syndrome; Hereditary Cancer Syndrome; Neoplastic Syndromes, Hereditary. Identifiers: Orphanet 140162, MedGen C0027672, MeSH D009386, MONDO:0015356.
Familial cancer of breast. Also called: hereditary breast carcinoma; BREAST CANCER, FAMILIAL; Hereditary breast cancer. Identifiers: Orphanet 227535, MedGen C0346153, MONDO:0016419, OMIM 114480. Disease mechanism: loss of function.

Submissions (4):

Labcorp Genetics (formerly Invitae), Labcorp
Classification: Uncertain significance for Familial cancer of breast. Last evaluated: 2025-11-23. Review status: criteria provided, single submitter. Criteria: Invitae Variant Classification Sherloc (09022015). Collection method: clinical testing. Allele origin: germline.
Comment: This sequence change replaces alanine, which is neutral and non-polar, with valine, which is neutral and non-polar, at codon 579 of the PALB2 protein (p.Ala579Val). This variant is not present in population databases (gnomAD no frequency). This variant has not been reported in the literature in individuals affected with PALB2-related conditions. ClinVar contains an entry for this variant (Variation ID: 576094). Invitae Evidence Modeling of protein sequence and biophysical properties (such as structural, functional, and spatial information, amino acid conservation, physicochemical variation, residue mobility, and thermodynamic stability) indicates that this missense variant is not expected to disrupt PALB2 protein function with a negative predictive value of 80%. In summary, the available evidence is currently insufficient to determine the role of this variant in disease. Therefore, it has been classified as a Variant of Uncertain Significance.

GeneDx
Classification: Uncertain significance. Last evaluated: 2024-03-01. Review status: criteria provided, single submitter. Criteria: GeneDx Variant Classification Process June 2021. Collection method: clinical testing. Allele origin: germline. Affected: yes.
Comment: Not observed at significant frequency in large population cohorts (gnomAD); In silico analysis supports that this missense variant does not alter protein structure/function; Has not been previously published as pathogenic or benign to our knowledge

Department of Pathology and Laboratory Medicine, Sinai Health System
Classification: Uncertain significance for Familial pancreatic carcinoma. Last evaluated: 2022-10-18. Review status: criteria provided, single submitter. Criteria: ACMG Guidelines, 2015. Collection method: clinical testing. Allele origin: germline. Affected: yes.

Ambry Genetics
Classification: Uncertain significance for Hereditary cancer-predisposing syndrome. Last evaluated: 2022-09-20. Review status: criteria provided, single submitter. Criteria: Ambry Variant Classification Scheme 2023. Collection method: clinical testing. Allele origin: germline.
Comment: The p.A579V variant (also known as c.1736C>T), located in coding exon 5 of the PALB2 gene, results from a C to T substitution at nucleotide position 1736. The alanine at codon 579 is replaced by valine, an amino acid with similar properties. This amino acid position is not well conserved in available vertebrate species. In addition, this alteration is predicted to be tolerated by in silico analysis. Since supporting evidence is limited at this time, the clinical significance of this alteration remains unclear.